The following is an entry in ClinVar:

NM_018263.6(ASXL2):c.1860+809_1861-317dup

Gene: ASXL2 (ASXL transcriptional regulator 2; minus strand). Cytogenetic location: 2p23.3.
Variant type: Duplication.
Coding change: c.1860+809_1861-317dup on transcript NM_018263.6 (MANE Select); 809 bases into the intron after coding-DNA position 1860 through 317 bases into the intron before coding-DNA position 1861, 4,095 bases duplicated.
Molecular consequence: intron variant.
Genome position (GRCh38, 1-based): chr2:25,744,793-25,748,887, 4,095 bases duplicated. GRCh37 (hg19): chr2:25,967,663-25,971,757.
Other names: c.1686+809_1687-317dup (NM_001369346.1); c.1080+809_1081-317dup (NM_001369347.1).
Identifiers: ClinVar variation 4688407 (VCV004688407.1).

ClinVar aggregate classification (germline): Uncertain significance (1 of 4 stars; one submission).

Submission:

Women's Health and Genetics/Laboratory Corporation of America, LabCorp
Classification: Uncertain significance. Last evaluated: 2025-12-10. Review status: criteria provided, single submitter. Criteria: LabCorp Variant Classification Summary - May 2015. Collection method: clinical testing. Allele origin: germline.
Comment: Variant summary: ASXL2 c.1860+809_1861-317dup4095 is located at a position not widely known to affect splicing. The variant involves the duplication of part of intron 12 in the ASXL2 gene. The variant was absent in 21694 control chromosomes in the gnomAD database (Structural Variants v4.1 dataset). The available data on variant occurrences in the general population are insufficient to allow any conclusion about variant significance. To our knowledge, no occurrence of c.1860+809_1861-317dup4095 in individuals affected with ASXL2-related conditions and no experimental evidence demonstrating its impact on protein function have been reported. No submitters have cited clinical-significance assessments for this variant to ClinVar. Based on the evidence outlined above, the variant was classified as uncertain significance.